The following is an entry in ClinVar:

NM_006231.4(POLE):c.3316A>G (p.Arg1106Gly)

Gene: POLE (DNA polymerase epsilon, catalytic subunit; minus strand). Cytogenetic location: 12q24.33.
Variant type: single nucleotide variant.
Coding change: c.3316A>G on transcript NM_006231.4 (MANE Select); coding-DNA position 3316, A replaced by G.
Protein change: p.Arg1106Gly; replaces arginine 1106 with glycine.
Molecular consequence: missense variant.
Genome position (GRCh38, 1-based): chr12:132,657,930, T>C on the plus strand (A>G on the coding strand, the complement: POLE is on the minus strand). VCF-style: chr12-132657930-T-C. GRCh37 (hg19) VCF-style: chr12-133234516-T-C.
Other names: c.3316A>G (NM_006231.2); short protein forms R1106G.
Identifiers: ClinVar variation 1462515 (VCV001462515.9), dbSNP rs371545491, ClinGen allele CA6893282.

ClinVar aggregate classification (germline): Uncertain significance. Review status: criteria provided, multiple submitters, no conflicts (2 of 4 stars). 2 submissions from 2 submitters: Uncertain significance (2). Last evaluated 2025-03-01.

Conditions:
Hereditary cancer-predisposing syndrome. Also called: Tumor predisposition; Hereditary neoplastic syndrome; Hereditary Cancer Syndrome; Neoplastic Syndromes, Hereditary. Identifiers: Orphanet 140162, MedGen C0027672, MeSH D009386, MONDO:0015356.

Allele frequency attached by ClinVar (database versions not stated): TOPMed below 0.00001; ExAC 0.00001; gnomAD 0.00001; ESP Exome Variant Server 0.00008.
gnomAD v4.1: 1 of 1,614,034 alleles (0.000062%); highest among the groups gnomAD compares: Non-Finnish European, 0.000085%; no homozygotes.

Submissions (2):

Ambry Genetics
Classification: Uncertain significance for Hereditary cancer-predisposing syndrome. Last evaluated: 2025-03-01. Review status: criteria provided, single submitter. Criteria: Ambry Variant Classification Scheme 2023. Collection method: clinical testing. Allele origin: germline.
Comment: The p.R1106G variant (also known as c.3316A>G), located in coding exon 27 of the POLE gene, results from an A to G substitution at nucleotide position 3316. The arginine at codon 1106 is replaced by glycine, an amino acid with dissimilar properties. This amino acid position is well conserved in available vertebrate species. In addition, this alteration is predicted to be tolerated by in silico analysis. Based on the available evidence, the clinical significance of this variant remains unclear.

Labcorp Genetics (formerly Invitae), Labcorp
Classification: Uncertain significance. Last evaluated: 2023-09-29. Review status: criteria provided, single submitter. Criteria: Invitae Variant Classification Sherloc (09022015). Collection method: clinical testing. Allele origin: germline.
Comment: ClinVar contains an entry for this variant (Variation ID: 1462515). Advanced modeling of protein sequence and biophysical properties (such as structural, functional, and spatial information, amino acid conservation, physicochemical variation, residue mobility, and thermodynamic stability) performed at Invitae indicates that this missense variant is not expected to disrupt POLE protein function. In summary, the available evidence is currently insufficient to determine the role of this variant in disease. Therefore, it has been classified as a Variant of Uncertain Significance. This variant is present in population databases (rs371545491, gnomAD 0.0009%). This sequence change replaces arginine, which is basic and polar, with glycine, which is neutral and non-polar, at codon 1106 of the POLE protein (p.Arg1106Gly). This variant has not been reported in the literature in individuals affected with POLE-related conditions.